The following is an entry in ClinVar:

ClinVar aggregate classification (germline): Uncertain significance (1 of 4 stars; one submission).

Conditions:
Hereditary cancer-predisposing syndrome. Also called: Neoplastic Syndromes, Hereditary; Tumor predisposition; Hereditary neoplastic syndrome; Hereditary Cancer Syndrome. Identifiers: Orphanet 140162, MedGen C0027672, MeSH D009386, MONDO:0015356.

Submission:

Ambry Genetics
Classification: Uncertain significance for Hereditary cancer-predisposing syndrome. Last evaluated: 2023-11-03. Review status: criteria provided, single submitter. Criteria: Ambry Variant Classification Scheme 2023. Collection method: clinical testing. Allele origin: germline.
Comment: The p.V723G variant (also known as c.2168T>G), located in coding exon 15 of the TSC1 gene, results from a T to G substitution at nucleotide position 2168. The valine at codon 723 is replaced by glycine, an amino acid with dissimilar properties. This amino acid position is conserved. In addition, the in silico prediction for this alteration is inconclusive. Since supporting evidence is limited at this time, the clinical significance of this alteration remains unclear.

NM_000368.5(TSC1):c.2168T>G (p.Val723Gly)

Gene: TSC1 (TSC complex subunit 1; minus strand). Cytogenetic location: 9q34.13.
Variant type: single nucleotide variant.
Coding change: c.2168T>G on transcript NM_000368.5 (MANE Select); coding-DNA position 2168, T replaced by G.
Protein change: p.Val723Gly; replaces valine 723 with glycine.
Molecular consequence: missense variant. On other transcripts: non-coding transcript variant (4).
Genome position (GRCh38, 1-based): chr9:132,903,691, A>C on the plus strand (T>G on the coding strand, the complement: TSC1 is on the minus strand). VCF-style: chr9-132903691-A-C. GRCh37 (hg19) VCF-style: chr9-135779078-A-C.
Other names: c.2165T>G, p.Val722Gly (NM_001162426.2, NM_001406597.1, NM_001406598.1 and 4 more transcripts); c.2015T>G, p.Val672Gly (NM_001162427.2, NM_001406610.1); c.1805T>G, p.Val602Gly (NM_001362177.2, NM_001406614.1, NM_001406615.1 and 5 more transcripts); c.2168T>G, p.Val723Gly (NM_001406592.1, NM_001406593.1, NM_001406594.1 and 5 more transcripts); c.2153T>G, p.Val718Gly (NM_001406601.1, NM_001406602.1); c.2150T>G, p.Val717Gly (NM_001406603.1, NM_001406604.1); c.2012T>G, p.Val671Gly (NM_001406611.1, NM_001406612.1, NM_001406613.1); c.1802T>G, p.Val601Gly (NM_001406620.1, NM_001406621.1, NM_001406622.1 and 2 more transcripts); and 3 more; short protein forms V372G, V405G, V406G, V601G, V602G, V671G, V672G, V717G.
Identifiers: ClinVar variation 3231293 (VCV003231293.1), dbSNP rs1588303807, ClinGen allele CA375360786.
Genomic context (GRCh38, chr9:132,903,691, plus strand): 5'-GTCCCCTCCCCAGTCCTCACCATGGCAGCATTATGTTCCTCCAGAGCTGCTGCTTTGATC[A>C]CCTTGCGGAGGAGCCGCCTGTTCCGGAGGGCATGCTGCTGCCTCTTAAAACGCTCATAGA-3'
Protein context (NP_000359.1, residues 713-733): ALRNRRLLRK[Val723Gly]IKAAALEEHN